The following is an entry in ClinVar:

NM_000824.5(GLRB):c.1070_1078del (p.Pro357_Val360delinsLeu)

Gene: GLRB (glycine receptor beta; plus strand). Cytogenetic location: 4q32.1.
Variant type: Deletion.
Coding change: c.1070_1078del on transcript NM_000824.5 (MANE Select); coding-DNA positions 1070 to 1078, 9 bases deleted (CCAAAAGGG; older notation c.1070_1078delCCAAAAGGG).
Protein change: p.Pro357_Val360delinsLeu.
Molecular consequence: inframe indel. On other transcripts: intron variant (1).
Genome position (GRCh38, 1-based): chr4:157,152,883-157,152,891, CCAAAAGGG deleted. VCF-style (leftmost placement, unchanged base first): chr4-157152882-CCCAAAAGGG-C. GRCh37 (hg19) VCF-style: chr4-158074034-CCCAAAAGGG-C.
Other names: c.1070_1078del, p.Pro357_Val360delinsLeu (NM_001166060.2); c.904+8924_904+8932del (NM_001166061.2).
Identifiers: ClinVar variation 2013784 (VCV002013784.4), dbSNP rs1205039740, ClinGen allele CA555974144.

ClinVar aggregate classification (germline): Uncertain significance (1 of 4 stars; one submission).

Conditions:
Hyperekplexia 2 (HKPX2). Identifiers: Orphanet 3197, MedGen C3553291, MONDO:0013828, OMIM 614619.

Submission:

Labcorp Genetics (formerly Invitae), Labcorp
Classification: Uncertain significance for Hyperekplexia 2. Last evaluated: 2022-07-07. Review status: criteria provided, single submitter. Criteria: Invitae Variant Classification Sherloc (09022015). Collection method: clinical testing. Allele origin: germline.
Comment: This variant, c.1070_1078del, is a complex sequence change that results in the deletion of 4 and insertion of 1 amino acid(s) in the GLRB protein (p.Pro357_Val360delinsLeu). This variant is present in population databases (no rsID available, gnomAD no frequency). This variant has not been reported in the literature in individuals affected with GLRB-related conditions. Experimental studies and prediction algorithms are not available or were not evaluated, and the functional significance of this variant is currently unknown. In summary, the available evidence is currently insufficient to determine the role of this variant in disease. Therefore, it has been classified as a Variant of Uncertain Significance.